The following is an entry in ClinVar:

ClinVar aggregate classification (germline): Uncertain significance (1 of 4 stars; one submission).

Conditions:
Malignant hyperthermia, susceptibility to, 5 (MHS5). Also called: CACNA1S-Related Malignant Hyperthermia Susceptibility. Identifiers: Orphanet 423, MedGen C1866077, MONDO:0011163, OMIM 601887.

Submission:

All of Us Research Program, National Institutes of Health
Classification: Uncertain significance for Malignant hyperthermia, susceptibility to, 5. Last evaluated: 2023-08-28. Review status: criteria provided, single submitter. Criteria: ACMG Guidelines, 2015. Collection method: clinical testing. Allele origin: germline. Inheritance: Autosomal dominant inheritance. Observed: 1 variant allele, 1 heterozygote.
Comment: This missense variant replaces leucine with tryptophan at codon 463 of the CACNA1S protein. Computational prediction is inconclusive regarding the impact of this variant on protein structure and function (internally defined REVEL score threshold 0.5 < inconclusive < 0.7, PMID: 27666373). To our knowledge, functional studies have not been reported for this variant. This variant has not been reported in individuals affected with CACNA1S-related disorders in the literature. This variant has not been identified in the general population by the Genome Aggregation Database (gnomAD). The available evidence is insufficient to determine the role of this variant in disease conclusively. Therefore, this variant is classified as a Variant of Uncertain Significance.

This study involves interpretation of variants in research participants for the purpose of population health screening. Participant phenotype was not available at the time of variant classification. Additional details can be found in publication PMID: 35346344, PMCID: PMC8962531

NM_000069.3(CACNA1S):c.1388T>G (p.Leu463Trp)

Gene: CACNA1S (calcium voltage-gated channel subunit alpha1 S; minus strand). Cytogenetic location: 1q32.1.
Variant type: single nucleotide variant.
Coding change: c.1388T>G on transcript NM_000069.3 (MANE Select); coding-DNA position 1388, T replaced by G.
Protein change: p.Leu463Trp; replaces leucine 463 with tryptophan.
Molecular consequence: missense variant.
Genome position (GRCh38, 1-based): chr1:201,083,167, A>C on the plus strand (T>G on the coding strand, the complement: CACNA1S is on the minus strand). VCF-style: chr1-201083167-A-C. GRCh37 (hg19) VCF-style: chr1-201052295-A-C.
Other names: short protein forms L463W.
Identifiers: ClinVar variation 3073208 (VCV003073208.1), dbSNP rs1661899212, ClinGen allele CA344125098.